The following is an entry in ClinVar:

NC_000002.11:g.(?_48010221)_(48032166_?)dup

Genes: MSH6 (mutS homolog 6; plus strand), LOC129933706 (ATAC-STARR-seq lymphoblastoid silent region 11467; plus strand), LOC129933707 (ATAC-STARR-seq lymphoblastoid silent region 11468; plus strand), LOC129933708 (ATAC-STARR-seq lymphoblastoid silent region 11469; plus strand). Cytogenetic location: 2p16.3.
Variant type: Duplication.
Identifiers: ClinVar variation 417523 (VCV000417523.1).

ClinVar aggregate classification (germline): Uncertain significance (1 of 4 stars; one submission).

Conditions:
Lynch syndrome. Identifiers: Orphanet 144, MedGen C4552100, MONDO:0005835. Disease mechanism: loss of function.

Submission:

Labcorp Genetics (formerly Invitae), Labcorp
Classification: Uncertain significance for Hereditary nonpolyposis colorectal neoplasms. Last evaluated: 2016-12-26. Review status: criteria provided, single submitter. Criteria: Invitae Variant Classification Sherloc (09022015). Collection method: clinical testing. Allele origin: germline.
Comment: This variant is a gross duplication of the genomic region encompassing exons 1-6 of the MSH6 gene. The 5' end of this event is unknown as it extends beyond the assayed region for this gene and therefore may encompass additional genes. The 3' boundary is likely confined to intron 6 of the MSH6 gene. This variant has not been reported in the literature in individuals with a MSH6-related disease. Experimental studies and prediction algorithms are not available for this variant, and the functional significance of the duplicated amino acids is currently unknown. In summary, the exact genomic location of this variant is unknown and the impact of this duplication on MSH6 protein function has not been established. Therefore, it has been classified as a Variant of Uncertain Significance.